The following is an entry in ClinVar:

ClinVar aggregate classification (germline): Uncertain significance. Review status: criteria provided, multiple submitters, no conflicts (2 of 4 stars). 5 submissions from 5 submitters: Uncertain significance (5). Last evaluated 2025-07-02.

Conditions:
Lynch syndrome. Identifiers: Orphanet 144, MedGen C4552100, MONDO:0005835. Disease mechanism: loss of function.
Hereditary nonpolyposis colorectal neoplasms. Identifiers: MedGen C0009405, MeSH D003123.
Hereditary cancer-predisposing syndrome. Also called: Neoplastic Syndromes, Hereditary; Tumor predisposition; Hereditary Cancer Syndrome; Hereditary neoplastic syndrome. Identifiers: Orphanet 140162, MedGen C0027672, MeSH D009386, MONDO:0015356.
Endometrial carcinoma. Also called: Endometrial carcinoma, somatic. Identifiers: MedGen C0476089, MONDO:0002447, OMIM 608089, HP:0012114.

Allele frequency attached by ClinVar (database versions not stated): TOPMed below 0.00001.

Submissions (5):

Labcorp Genetics (formerly Invitae), Labcorp
Classification: Uncertain significance for Hereditary nonpolyposis colorectal neoplasms. Last evaluated: 2025-07-02. Review status: criteria provided, single submitter. Criteria: Invitae Variant Classification Sherloc (09022015). Collection method: clinical testing. Allele origin: germline.
Comment: This sequence change replaces alanine, which is neutral and non-polar, with aspartic acid, which is acidic and polar, at codon 53 of the MSH6 protein (p.Ala53Asp). This variant is not present in population databases (gnomAD no frequency). This missense change has been observed in individual(s) with non-medullary thyroid, breast, or pancreatic cancer (PMID: 26530882, 35171259, 35449176). ClinVar contains an entry for this variant (Variation ID: 483762). Invitae Evidence Modeling of protein sequence and biophysical properties (such as structural, functional, and spatial information, amino acid conservation, physicochemical variation, residue mobility, and thermodynamic stability) indicates that this missense variant is not expected to disrupt MSH6 protein function with a negative predictive value of 95%. In summary, the available evidence is currently insufficient to determine the role of this variant in disease. Therefore, it has been classified as a Variant of Uncertain Significance.

Ambry Genetics
Classification: Uncertain significance for Hereditary cancer-predisposing syndrome. Last evaluated: 2025-06-26. Review status: criteria provided, single submitter. Criteria: Ambry Variant Classification Scheme 2023. Collection method: clinical testing. Allele origin: germline.
Comment: The p.A53D variant (also known as c.158C>A), located in coding exon 1 of the MSH6 gene, results from a C to A substitution at nucleotide position 158. The alanine at codon 53 is replaced by aspartic acid, an amino acid with dissimilar properties. In a study of 63 cases of non-medullary thyroid cancer, this alteration was identified in one proband with sporadic papillary thyroid cancer who also carried an insertion in MSH6 (designated G56GPR). Both alterations were deemed likely benign, based on in silico predictions (Yu Y et al. Sci Rep, 2015 Nov;5:16129). This amino acid position is well conserved in available vertebrate species. In addition, the in silico prediction for this alteration is inconclusive. Since supporting evidence is limited at this time, the clinical significance of this alteration remains unclear.

Mayo Clinic Laboratories, Mayo Clinic
Classification: Uncertain significance. Last evaluated: 2025-03-13. Review status: criteria provided, single submitter. Criteria: ACMG Guidelines, 2015. Collection method: clinical testing. Allele origin: germline. Observed: 1 variant allele.
Comment: BP4, PM2_supporting

Baylor Genetics
Classification: Uncertain significance for Endometrial carcinoma. Last evaluated: 2024-01-05. Review status: criteria provided, single submitter. Criteria: ACMG Guidelines, 2015. Collection method: clinical testing. Allele origin: unknown.

All of Us Research Program, National Institutes of Health
Classification: Uncertain significance for Lynch syndrome. Last evaluated: 2023-05-04. Review status: criteria provided, single submitter. Criteria: ACMG Guidelines, 2015. Collection method: clinical testing. Allele origin: germline. Inheritance: Autosomal dominant inheritance. Observed: 1 variant allele, 1 heterozygote.
Comment: This missense variant replaces alanine with aspartic acid at codon 53 of the MSH6 protein. Computational prediction suggests that this variant may not impact protein structure and function (internally defined REVEL score threshold <= 0.5, PMID: 27666373). To our knowledge, functional studies have not been reported for this variant. This variant has been reported in an individual affected with non-medullary thyroid cancer (PMID: 26530882). This variant has not been identified in the general population by the Genome Aggregation Database (gnomAD). The available evidence is insufficient to determine the role of this variant in disease conclusively. Therefore, this variant is classified as a Variant of Uncertain Significance.

This study involves interpretation of variants in research participants for the purpose of population health screening. Participant phenotype was not available at the time of variant classification. Additional details can be found in publication PMID: 35346344, PMCID: PMC8962531

Literature cited by the submitters: PubMed 26530882 (cited by 4 submitters); PubMed 35171259 (cited by Labcorp Genetics (formerly Invitae), Labcorp and Mayo Clinic Laboratories, Mayo Clinic); PubMed 35449176 (cited by Labcorp Genetics (formerly Invitae), Labcorp and Mayo Clinic Laboratories, Mayo Clinic).

NM_000179.3(MSH6):c.158C>A (p.Ala53Asp)

Gene: MSH6 (mutS homolog 6; plus strand). Cytogenetic location: 2p16.3.
Variant type: single nucleotide variant.
Coding change: c.158C>A on transcript NM_000179.3 (MANE Select); coding-DNA position 158, C replaced by A.
Protein change: p.Ala53Asp; replaces alanine 53 with aspartic acid.
Molecular consequence: missense variant. On other transcripts: 5 prime UTR variant (1).
Genome position (GRCh38, 1-based): chr2:47,783,391, C>A. VCF-style: chr2-47783391-C-A. GRCh37 (hg19) VCF-style: chr2-48010530-C-A.
Other names: p.Ala53Asp; c.158C>A, p.Ala53Asp (NM_001281492.2); c.-579C>A (NM_001281493.2); short protein forms A53D.
Identifiers: ClinVar variation 483762 (VCV000483762.15), dbSNP rs1553408288, ClinGen allele CA346734958.